The following is an entry in ClinVar:

NM_001142459.2(ASB10):c.291T>A (p.Asp97Glu)

Gene: ASB10 (ankyrin repeat and SOCS box containing 10; minus strand). Cytogenetic location: 7q36.1.
Variant type: single nucleotide variant.
Coding change: c.291T>A on transcript NM_001142459.2 (MANE Select); coding-DNA position 291, T replaced by A.
Protein change: p.Asp97Glu; replaces aspartic acid 97 with glutamic acid.
Molecular consequence: missense variant. On other transcripts: intron variant (1).
Genome position (GRCh38, 1-based): chr7:151,186,840, A>T on the plus strand (T>A on the coding strand, the complement: ASB10 is on the minus strand). VCF-style: chr7-151186840-A-T. GRCh37 (hg19) VCF-style: chr7-150883927-A-T.
Other names: c.291T>A, p.Asp97Glu (NM_001142460.1); c.272-181T>A (NM_080871.4); short protein forms D97E.
Identifiers: ClinVar variation 99977 (VCV000099977.5), dbSNP rs151344619, ClinGen allele CA150532.

ClinVar aggregate classification (germline): Uncertain significance. Review status: criteria provided, single submitter (1 of 4 stars). 2 submissions from 2 submitters: Uncertain significance (1). 1 of the submissions does not count toward it. Last evaluated 2024-11-11.

Conditions:
Glaucoma 1, open angle, F (GLC1F). Identifiers: MedGen C1863926, OMIM 603383, MONDO:0011311.

Allele frequency attached by ClinVar (database versions not stated): TOPMed 0.00005; gnomAD 0.00019 and 0.00022; ExAC 0.00020.
gnomAD v4.1: 157 of 1,605,212 alleles (0.0098%); highest among the groups gnomAD compares: Non-Finnish European, 0.012%; no homozygotes.

Submissions (2):

Labcorp Genetics (formerly Invitae), Labcorp
Classification: Uncertain significance. Last evaluated: 2024-11-11. Review status: criteria provided, single submitter. Criteria: Invitae Variant Classification Sherloc (09022015). Collection method: clinical testing. Allele origin: germline.
Comment: This sequence change replaces aspartic acid, which is acidic and polar, with glutamic acid, which is acidic and polar, at codon 97 of the ASB10 protein (p.Asp97Glu). This variant is present in population databases (rs151344619, gnomAD 0.05%), and has an allele count higher than expected for a pathogenic variant. This missense change has been observed in individual(s) with glaucoma (PMID: 22156576). ClinVar contains an entry for this variant (Variation ID: 99977). An algorithm developed to predict the effect of missense changes on protein structure and function outputs the following: PolyPhen-2: "Benign". The glutamic acid amino acid residue is found in multiple mammalian species, which suggests that this missense change does not adversely affect protein function. In summary, the available evidence is currently insufficient to determine the role of this variant in disease. Therefore, it has been classified as a Variant of Uncertain Significance.

Casey Eye Institute Glaucoma Genetics Lab 
No classification provided. Condition: Glaucoma 1, open angle, F. Review status: no classification provided. Collection method: not provided. Allele origin: not provided. Not counted in ClinVar's aggregate classification.

Literature cited by the submitters: PubMed 22156576 (cited by Labcorp Genetics (formerly Invitae), Labcorp).